The following is an entry in ClinVar:

ClinVar aggregate classification (germline): Likely benign (0 of 4 stars; one submission).

Conditions:
CABIN1-related disorder. Also called: CABIN1-related condition.

Allele frequency attached by ClinVar (database versions not stated): gnomAD 0.00001; ExAC 0.00003; 1000 Genomes Project 30x 0.00016; 1000 Genomes Project 0.00020.
gnomAD v4.1: 6 of 1,614,010 alleles (0.00037%); highest among the groups gnomAD compares: East Asian, 0.011%; no homozygotes.

Submission:

PreventionGenetics, part of Exact Sciences
Classification: Likely benign for CABIN1-related condition. Last evaluated: 2020-07-17. Review status: no assertion criteria provided. Collection method: clinical testing. Allele origin: germline.
Comment: This variant is classified as likely benign based on ACMG/AMP sequence variant interpretation guidelines (Richards et al. 2015 PMID: 25741868, with internal and published modifications).

NM_012295.4(CABIN1):c.4118-3C>T

Gene: CABIN1 (calcineurin binding protein 1; plus strand). Cytogenetic location: 22q11.23.
Variant type: single nucleotide variant.
Coding change: c.4118-3C>T on transcript NM_012295.4 (MANE Select); 3 bases into the intron before coding-DNA position 4118, C replaced by T.
Molecular consequence: intron variant.
Genome position (GRCh38, 1-based): chr22:24,113,563, C>T. VCF-style: chr22-24113563-C-T. GRCh37 (hg19) VCF-style: chr22-24509530-C-T.
Other names: c.3968-3C>T (NM_001201429.2); c.4118-3C>T (NM_001199281.1).
Identifiers: ClinVar variation 3036518 (VCV003036518.2), dbSNP rs200416527, ClinGen allele CA10149398.